The following is an entry in ClinVar:

ClinVar aggregate classification (germline): Uncertain significance (1 of 4 stars; one submission).

gnomAD v4.1: 12 of 1,606,084 alleles (0.00075%); highest among the groups gnomAD compares: South Asian, 0.013%; no homozygotes.

Submission:

Ambry Genetics
Classification: Uncertain significance. Last evaluated: 2025-06-22. Review status: criteria provided, single submitter. Criteria: Ambry Variant Classification Scheme 2023. Collection method: clinical testing. Allele origin: germline.
Comment: The p.N173S variant (also known as c.518A>G), located in coding exon 5 of the STAP1 gene, results from an A to G substitution at nucleotide position 518. The asparagine at codon 173 is replaced by serine, an amino acid with highly similar properties. This amino acid position is conserved. In addition, this alteration is predicted to be tolerated by in silico analysis. Based on the available evidence, the clinical significance of this variant remains unclear.

NM_012108.4(STAP1):c.518A>G (p.Asn173Ser)

Gene: STAP1 (signal transducing adaptor family member 1; plus strand). Cytogenetic location: 4q13.2.
Variant type: single nucleotide variant.
Coding change: c.518A>G on transcript NM_012108.4 (MANE Select); coding-DNA position 518, A replaced by G.
Protein change: p.Asn173Ser; replaces asparagine 173 with serine.
Molecular consequence: missense variant.
Genome position (GRCh38, 1-based): chr4:67,581,459, A>G. VCF-style: chr4-67581459-A-G. GRCh37 (hg19) VCF-style: chr4-68447177-A-G.
Other names: c.518A>G, p.Asn173Ser (NM_001317769.2); short protein forms N173S.
Identifiers: ClinVar variation 4176147 (VCV004176147.1).